The following is an entry in ClinVar:

NM_173086.5(KRT6C):c.1560del (p.Gly522fs)

Gene: KRT6C (keratin 6C; minus strand). Cytogenetic location: 12q13.13.
Variant type: Deletion.
Coding change: c.1560del on transcript NM_173086.5 (MANE Select); coding-DNA position 1560, one base deleted (T; older notation c.1560delT).
Protein change: p.Gly522fs; shifts the reading frame from glycine 522.
Molecular consequence: frameshift variant.
Genome position (GRCh38, 1-based): chr12:52,469,197, A deleted on the plus strand (T on the coding strand, the reverse complement: KRT6C is on the minus strand). VCF-style (leftmost placement, unchanged base first): chr12-52469196-GA-G. GRCh37 (hg19) VCF-style: chr12-52862980-GA-G.
Other names: short protein forms G522fs.
Identifiers: ClinVar variation 5009018 (VCV005009018.1).

ClinVar aggregate classification (germline): Uncertain significance (1 of 4 stars; one submission).

Submission:

GeneDx
Classification: Uncertain significance. Last evaluated: 2026-03-18. Review status: criteria provided, single submitter. Criteria: GeneDx Variant Classification Process June 2021. Collection method: clinical testing. Allele origin: germline.
Comment: Has not been previously published as pathogenic or benign to our knowledge; Frameshift variant predicted to result in abnormal protein length as the last 43 amino acid(s) are replaced with 74 different amino acid(s) with an unclear effect on protein function